The following is an entry in ClinVar:

ClinVar aggregate classification (germline): Pathogenic (1 of 4 stars; one submission).

Submission:

Labcorp Genetics (formerly Invitae), Labcorp
Classification: Pathogenic. Last evaluated: 2022-03-15. Review status: criteria provided, single submitter. Criteria: Invitae Variant Classification Sherloc (09022015). Collection method: clinical testing. Allele origin: germline.
Comment: For these reasons, this variant has been classified as Pathogenic. ClinVar contains an entry for this variant (Variation ID: 1072648). This variant has not been reported in the literature in individuals affected with LCA5-related conditions. This variant is not present in population databases (gnomAD no frequency). This sequence change creates a premature translational stop signal (p.Leu115*) in the LCA5 gene. It is expected to result in an absent or disrupted protein product. Loss-of-function variants in LCA5 are known to be pathogenic (PMID: 17546029, 23946133).

Literature cited by the submitters: PubMed 17546029; PubMed 23946133.

NM_001122769.3(LCA5):c.344T>A (p.Leu115Ter)

Gene: LCA5 (lebercilin LCA5; minus strand). Cytogenetic location: 6q14.1.
Variant type: single nucleotide variant.
Coding change: c.344T>A on transcript NM_001122769.3 (MANE Select); coding-DNA position 344, T replaced by A.
Protein change: p.Leu115Ter; replaces leucine 115 with a stop codon.
Molecular consequence: nonsense.
Genome position (GRCh38, 1-based): chr6:79,513,588, A>T on the plus strand (T>A on the coding strand, the complement: LCA5 is on the minus strand). VCF-style: chr6-79513588-A-T. GRCh37 (hg19) VCF-style: chr6-80223305-A-T.
Other names: c.344T>A, p.Leu115Ter (NM_181714.4); short protein forms L115*.
Identifiers: ClinVar variation 1072648 (VCV001072648.7), dbSNP rs2127680222, ClinGen allele CA364629435.